The following is an entry in ClinVar:

ClinVar aggregate classification (germline): Uncertain significance (1 of 4 stars; one submission).

Conditions:
Charcot-Marie-Tooth disease type 2. Also called: Charcot-Marie-Tooth type 2. Identifiers: Orphanet 64746, MedGen C0270914, MONDO:0018993.

Allele frequency attached by ClinVar (database versions not stated): gnomAD 0.00002.

Submission:

Labcorp Genetics (formerly Invitae), Labcorp
Classification: Uncertain significance for Charcot-Marie-Tooth disease type 2. Last evaluated: 2024-05-14. Review status: criteria provided, single submitter. Criteria: Invitae Variant Classification Sherloc (09022015). Collection method: clinical testing. Allele origin: germline.
Comment: This sequence change replaces methionine, which is neutral and non-polar, with valine, which is neutral and non-polar, at codon 182 of the MFN2 protein (p.Met182Val). This variant is present in population databases (no rsID available, gnomAD 0.01%). This variant has not been reported in the literature in individuals affected with MFN2-related conditions. ClinVar contains an entry for this variant (Variation ID: 1430923). Advanced modeling of protein sequence and biophysical properties (such as structural, functional, and spatial information, amino acid conservation, physicochemical variation, residue mobility, and thermodynamic stability) has been performed at Invitae for this missense variant, however the output from this modeling did not meet the statistical confidence thresholds required to predict the impact of this variant on MFN2 protein function. In summary, the available evidence is currently insufficient to determine the role of this variant in disease. Therefore, it has been classified as a Variant of Uncertain Significance.

NM_014874.4(MFN2):c.544A>G (p.Met182Val)

Gene: MFN2 (mitofusin 2; plus strand). Cytogenetic location: 1p36.22.
Variant type: single nucleotide variant.
Coding change: c.544A>G on transcript NM_014874.4 (MANE Select); coding-DNA position 544, A replaced by G.
Protein change: p.Met182Val; replaces methionine 182 with valine.
Molecular consequence: missense variant.
Genome position (GRCh38, 1-based): chr1:11,997,366, A>G. VCF-style: chr1-11997366-A-G. GRCh37 (hg19) VCF-style: chr1-12057423-A-G.
Other names: c.544A>G, p.Met182Val (NM_001127660.2); short protein forms M182V.
Identifiers: ClinVar variation 1430923 (VCV001430923.6), dbSNP rs1338701016, ClinGen allele CA338436627.